The following is an entry in ClinVar:

ClinVar aggregate classification (germline): Conflicting classifications of pathogenicity. Review status: criteria provided, conflicting classifications (1 of 4 stars). 2 submissions from 2 submitters: Likely pathogenic (1); Uncertain significance (1). Last evaluated 2024-07-19.

Submissions (2):

Labcorp Genetics (formerly Invitae), Labcorp
Classification: Uncertain significance. Last evaluated: 2024-07-19. Review status: criteria provided, single submitter. Criteria: Invitae Variant Classification Sherloc (09022015). Collection method: clinical testing. Allele origin: germline.
Comment: This sequence change replaces serine, which is neutral and polar, with cysteine, which is neutral and slightly polar, at codon 299 of the NOTCH3 protein (p.Ser299Cys). This variant is not present in population databases (gnomAD no frequency). This missense change has been observed in individual(s) with clinical features of NOTCH3-related conditions (PMID: 15210914, 34284285). ClinVar contains an entry for this variant (Variation ID: 995690). Advanced modeling of protein sequence and biophysical properties (such as structural, functional, and spatial information, amino acid conservation, physicochemical variation, residue mobility, and thermodynamic stability) performed at Invitae indicates that this missense variant is expected to disrupt NOTCH3 protein function with a positive predictive value of 80%. In summary, the available evidence is currently insufficient to determine the role of this variant in disease. Therefore, it has been classified as a Variant of Uncertain Significance.

ARUP Laboratories, Molecular Genetics and Genomics, ARUP Laboratories
Classification: Likely pathogenic. Last evaluated: 2022-03-24. Review status: criteria provided, single submitter. Criteria: ARUP Molecular Germline Variant Investigation Process 2021. Collection method: clinical testing. Allele origin: germline.
Comment: The NOTCH3 c.895A>T; p.Ser299Cys variant is reported in the literature in an individual affected with ataxia (Wan 2021) and another individual with symptoms of CADASIL but not typical MRI findings, possibly due to young age (Golomb 2004). This variant is absent from general population databases (Exome Variant Server, Genome Aggregation Database), indicating it is not a common polymorphism. The serine at codon 299 is highly conserved, it occurs in an EGF-like domain, and computational analyses predict that this variant is deleterious (REVEL: 0.796). Most pathogenic NOTCH3 variants occur in exons 2-24 and either create or destroy a cysteine residue within an EGF-like domain (Rutten 2014), and thus the p.Ser299Cys variant is consistent with the predominant mechanism of disease in NOTCH3. Based on available information, this variant is considered to be likely pathogenic. References: Golomb MR et al. Recurrent hemiplegia, normal MRI, and NOTCH3 mutation in a 14-year-old: is this early CADASIL? Neurology. 2004 Jun 22;62(12):2331-2. PMID: 15210914. Rutten JW et al. Interpretation of NOTCH3 mutations in the diagnosis of CADASIL. Expert Rev Mol Diagn. 2014 Jun;14(5):593-603. PMID: 24844136. Wan N et al. Genetic etiology of a Chinese ataxia cohort: Expanding the mutational spectrum of hereditary ataxias. Parkinsonism Relat Disord. 2021 Aug;89:120-127. PMID: 34284285.

Literature cited by the submitters: PubMed 15210914 (cited by Labcorp Genetics (formerly Invitae), Labcorp); PubMed 34284285 (cited by Labcorp Genetics (formerly Invitae), Labcorp).

NM_000435.3(NOTCH3):c.895A>T (p.Ser299Cys)

Gene: NOTCH3 (notch receptor 3; minus strand). Cytogenetic location: 19p13.12.
Variant type: single nucleotide variant.
Coding change: c.895A>T on transcript NM_000435.3 (MANE Select); coding-DNA position 895, A replaced by T.
Protein change: p.Ser299Cys; replaces serine 299 with cysteine.
Molecular consequence: missense variant.
Genome position (GRCh38, 1-based): chr19:15,191,565, T>A on the plus strand (A>T on the coding strand, the complement: NOTCH3 is on the minus strand). VCF-style: chr19-15191565-T-A. GRCh37 (hg19) VCF-style: chr19-15302376-T-A.
Other names: short protein forms S299C.
Identifiers: ClinVar variation 995690 (VCV000995690.13), dbSNP rs2046926886, ClinGen allele CA404531374.
Genomic context (GRCh38, chr19:15,191,565, plus strand): 5'-CACAGTCATCGATATTCTGACTGCAGCTCTCGCCTGTCCAGCCATTGACACACACGCAGC[T>A]GTGGCCACCCAGCGTGTTGAAGCAGGTACCCCCATTGTGGCAGGCGTTGGGCTGCAGCTG-3'
Protein context (NP_000426.2, residues 289-309): GTCFNTLGGH[Ser299Cys]CVCVNGWTGE